The following is an entry in ClinVar:

NM_001065.4(TNFRSF1A):c.236C>T (p.Thr79Met)

Gene: TNFRSF1A (TNF receptor superfamily member 1A; minus strand). Cytogenetic location: 12p13.31.
Variant type: single nucleotide variant.
Coding change: c.236C>T on transcript NM_001065.4 (MANE Select); coding-DNA position 236, C replaced by T.
Protein change: p.Thr79Met; replaces threonine 79 with methionine.
Molecular consequence: missense variant. On other transcripts: 5 prime UTR variant (2), non-coding transcript variant (1).
Genome position (GRCh38, 1-based): chr12:6,333,823, G>A on the plus strand (C>T on the coding strand, the complement: TNFRSF1A is on the minus strand). VCF-style: chr12-6333823-G-A. GRCh37 (hg19) VCF-style: chr12-6442989-G-A.
Other names: T50M; c.-89C>T (NM_001346091.2); c.-342C>T (NM_001346092.2); short protein forms T79M.
Identifiers: ClinVar variation 12336 (VCV000012336.54), dbSNP rs104895219, ClinGen allele CA280147.

ClinVar aggregate classification (germline): Pathogenic. Review status: criteria provided, multiple submitters, no conflicts (2 of 4 stars). 11 submissions from 10 submitters: Pathogenic (9). 2 of the submissions do not count toward it. Last evaluated 2025-10-14.

Conditions:
TNFRSF1A-related disorder. Also called: TNFRSF1A-related condition.
Multiple sclerosis. Identifiers: MedGen C0026769, MONDO:0005301.
TNF receptor-associated periodic fever syndrome (TRAPS) (FPF). Also called: TNF receptor 1-associated periodic fever syndrome; FAMILIAL HIBERNIAN FEVER; TNF RECEPTOR-ASSOCIATED PERIODIC SYNDROME; TUMOR NECROSIS FACTOR RECEPTOR-ASSOCIATED PERIODIC SYNDROME; TNF Receptor-Associated Periodic Fever Syndrome; Autosomal Dominant Familial Periodic Fever. Identifiers: Orphanet 32960, MedGen C1275126, MONDO:0007727, OMIM 142680.

Allele frequency attached by ClinVar (database versions not stated): gnomAD exomes below 0.00001.
gnomAD v4.1: 1 of 1,596,930 alleles (0.000063%); highest among the groups gnomAD compares: Non-Finnish European, 0.000085%; no homozygotes.

Submissions (11):

Labcorp Genetics (formerly Invitae), Labcorp
Classification: Pathogenic for TNF receptor-associated periodic fever syndrome (TRAPS). Last evaluated: 2025-10-14. Review status: criteria provided, single submitter. Criteria: Invitae Variant Classification Sherloc (09022015). Collection method: clinical testing. Allele origin: germline.
Comment: This sequence change replaces threonine, which is neutral and polar, with methionine, which is neutral and non-polar, at codon 79 of the TNFRSF1A protein (p.Thr79Met). This variant is not present in population databases (gnomAD no frequency). This missense change has been observed in individual(s) with TNF receptor-associated periodic fever syndrome (PMID: 10199409, 13130484, 23965844, 24393624, 25936627). It has also been observed to segregate with disease in related individuals. This variant is also known as T50M. ClinVar contains an entry for this variant (Variation ID: 12336). Invitae Evidence Modeling of protein sequence and biophysical properties (such as structural, functional, and spatial information, amino acid conservation, physicochemical variation, residue mobility, and thermodynamic stability) has been performed for this missense variant. However, the output from this modeling did not meet the statistical confidence thresholds required to predict the impact of this variant on TNFRSF1A protein function. Experimental studies have shown that this missense change affects TNFRSF1A function (PMID: 15312137, 20457915). For these reasons, this variant has been classified as Pathogenic.

Dubai Health Genomic Medicine Center, Dubai Health
Classification: Pathogenic for Multiple sclerosis. Last evaluated: 2024-10-04. Review status: criteria provided, single submitter. Criteria: ACMG Guidelines, 2015. Collection method: research. Allele origin: germline. Affected: yes.
Comment: PS3,PS4,PP1,PM2,PP3

Department of Human Genetics, Hannover Medical School
Classification: Pathogenic for TNF receptor-associated periodic fever syndrome (TRAPS). Last evaluated: 2023-08-02. Review status: criteria provided, single submitter. Criteria: ACMG Guidelines, 2015. Collection method: clinical testing. Allele origin: germline. Inheritance: Autosomal dominant inheritance. Affected: yes.

GeneDx
Classification: Pathogenic. Last evaluated: 2023-01-03. Review status: criteria provided, single submitter. Criteria: GeneDx Variant Classification Process June 2021. Collection method: clinical testing. Allele origin: germline. Affected: yes.
Comment: Published functional studies demonstrate a damaging effect due to cytoplasmic retention, reduced protein surface expression, impaired binding of TNF-alpha, and activation of the TNF-R1 and inflammasome pathways (Todd et al., 2004; Greco et al., 2015).; Not observed at significant frequency in large population cohorts (gnomAD); In silico analysis supports that this missense variant has a deleterious effect on protein structure/function; Also known as p.(T50M); This variant is associated with the following publications: (PMID: 24950168, 25888769, 24393624, 26598380, 21153350, 16684962, 15312137, 21282379, 23894535, 20457915, 10199409, 25936627, 27332769, 33440462, 11722598, 31586650, 33284430, 31562507, 35577052, 15570662, 23965844)

Genetics and Molecular Pathology, SA Pathology
Classification: Pathogenic for TNF receptor-associated periodic fever syndrome (TRAPS). Last evaluated: 2022-01-14. Review status: criteria provided, single submitter. Criteria: ACMG Guidelines, 2015. Collection method: clinical testing. Allele origin: germline. Inheritance: Autosomal dominant inheritance. Affected: yes.

Kasturba Medical College, Manipal, Kasturba Medical College, Manipal, Manipal Academy of Higher Education, Manipal, India
Classification: Pathogenic for TNF receptor-associated periodic fever syndrome (TRAPS). Last evaluated: 2021-12-23. Review status: criteria provided, single submitter. Criteria: ACMG Guidelines, 2015. Collection method: clinical testing. Allele origin: germline. Affected: yes.

CeGaT Center for Human Genetics Tuebingen
Classification: Pathogenic. Last evaluated: 2021-07-01. Review status: criteria provided, single submitter. Criteria: CeGaT Center For Human Genetics Tuebingen Variant Classification Criteria Version 2. Collection method: clinical testing. Allele origin: germline. Affected: yes. Observed: 1 variant allele.

Blueprint Genetics
Classification: Pathogenic for TNFRSF1A-related disorders. Last evaluated: 2020-12-23. Review status: criteria provided, single submitter. Criteria: ACMG Guidelines, 2015. Collection method: clinical testing. Allele origin: germline. Affected: yes. Observed: 1 variant allele.

Dubai Health Genomic Medicine Center, Dubai Health
Classification: Pathogenic for TNF receptor-associated periodic fever syndrome (TRAPS). Last evaluated: 2020-10-04. Review status: criteria provided, single submitter. Criteria: ACMG Guidelines, 2015. Collection method: clinical testing. Allele origin: germline. Affected: yes.

OMIM
Classification: Pathogenic for PERIODIC FEVER, FAMILIAL, AUTOSOMAL DOMINANT. Last evaluated: 1999-04-02. Review status: no assertion criteria provided. Collection method: literature only. Allele origin: germline. Not counted in ClinVar's aggregate classification.

Unité médicale des maladies autoinflammatoires, CHRU Montpellier
No classification provided. Condition: TNF receptor-associated periodic fever syndrome (TRAPS). Review status: no classification provided. Collection method: not provided. Allele origin: unknown. Not counted in ClinVar's aggregate classification.

Literature cited by the submitters: PubMed 10199409 (cited by Labcorp Genetics (formerly Invitae), Labcorp and OMIM); PubMed 13130484 (cited by Labcorp Genetics (formerly Invitae), Labcorp); PubMed 23965844 (cited by Labcorp Genetics (formerly Invitae), Labcorp); PubMed 24393624 (cited by Labcorp Genetics (formerly Invitae), Labcorp); PubMed 25936627 (cited by Labcorp Genetics (formerly Invitae), Labcorp); PubMed 15312137 (cited by Labcorp Genetics (formerly Invitae), Labcorp); PubMed 20457915 (cited by Labcorp Genetics (formerly Invitae), Labcorp); PubMed 9585614 (cited by OMIM).